The following is an entry in ClinVar:

ClinVar aggregate classification (germline): Likely pathogenic (1 of 4 stars; one submission).

Conditions:
Niemann-Pick disease, type B. Also called: Chronic Visceral ASMD (Niemann-Pick Disease Type B; NPD-B). Identifiers: Orphanet 77293, MedGen C0268243, MONDO:0011871, OMIM 607616. Disease mechanism: loss of function.
Niemann-Pick disease, type A. Also called: Infantile Neurovisceral ASMD (Niemann-Pick Disease Type A; NPD-A); SPHINGOMYELIN LIPIDOSIS; SPHINGOMYELINASE DEFICIENCY. Identifiers: Orphanet 77292, MedGen C0268242, MONDO:0009756, OMIM 257200. Disease mechanism: loss of function.

Submission:

Labcorp Genetics (formerly Invitae), Labcorp
Classification: Likely pathogenic for Niemann-Pick disease, type B; Niemann-Pick disease, type A. Last evaluated: 2023-08-06. Review status: criteria provided, single submitter. Criteria: Invitae Variant Classification Sherloc (09022015). Collection method: clinical testing. Allele origin: germline.
Comment: This sequence change replaces alanine, which is neutral and non-polar, with aspartic acid, which is acidic and polar, at codon 453 of the SMPD1 protein (p.Ala453Asp). This variant is not present in population databases (gnomAD no frequency). This missense change has been observed in individuals with Niemann-Pick disease (PMID: 19050888, 27884455). This variant is also known as A451D. Advanced modeling of protein sequence and biophysical properties (such as structural, functional, and spatial information, amino acid conservation, physicochemical variation, residue mobility, and thermodynamic stability) performed at Invitae indicates that this missense variant is expected to disrupt SMPD1 protein function. In summary, the currently available evidence indicates that the variant is pathogenic, but additional data are needed to prove that conclusively. Therefore, this variant has been classified as Likely Pathogenic.

Literature cited by the submitters: PubMed 19050888; PubMed 27884455.

NM_000543.5(SMPD1):c.1358C>A (p.Ala453Asp)

Gene: SMPD1 (sphingomyelin phosphodiesterase 1; plus strand). Cytogenetic location: 11p15.4.
Variant type: single nucleotide variant.
Coding change: c.1358C>A on transcript NM_000543.5 (MANE Select); coding-DNA position 1358, C replaced by A.
Protein change: p.Ala453Asp; replaces alanine 453 with aspartic acid.
Molecular consequence: missense variant. On other transcripts: non-coding transcript variant (2).
Genome position (GRCh38, 1-based): chr11:6,393,913, C>A. VCF-style: chr11-6393913-C-A. GRCh37 (hg19) VCF-style: chr11-6415143-C-A.
Other names: c.1355C>A, p.Ala452Asp (NM_001007593.3); c.1358C>A, p.Ala453Asp (NM_001318087.2); c.437C>A, p.Ala146Asp (NM_001318088.2); c.1226C>A, p.Ala409Asp (NM_001365135.2); short protein forms A452D, A453D, A146D, A409D.
Identifiers: ClinVar variation 2925464 (VCV002925464.3), dbSNP rs2493819793, ClinGen allele CA379374820.
Genomic context (GRCh38, chr11:6,393,913, plus strand): 5'-TACCCCTCCCTAGAATCTTCTGAATGTAGTACCTTCTGGCCAGGTATGAGAACACCCTGG[C>A]TGCTCAGTTCTTTGGCCACACTCATGTGGATGAATTTGAGGTCTTCTATGATGAAGAGAC-3'
Protein context (NP_000534.3, residues 443-463): RIVARYENTL[Ala453Asp]AQFFGHTHVD